The following is an entry in ClinVar:

ClinVar aggregate classification (germline): Benign (1 of 4 stars; one submission).

Allele frequency attached by ClinVar (database versions not stated): TOPMed 0.16154; gnomAD 0.17157 and 0.17248; 1000 Genomes Project 0.17232; 1000 Genomes Project 30x 0.17442.
gnomAD v4.1: 25,998 of 151,536 alleles (17%); highest among the groups gnomAD compares: African/African-American, 21%; 2,351 homozygotes.

Submission:

GeneDx
Classification: Benign. Last evaluated: 2018-06-14. Review status: criteria provided, single submitter. Criteria: GeneDx Variant Classification (06012015). Collection method: clinical testing. Allele origin: germline. Affected: yes.
Comment: This variant is considered likely benign or benign based on one or more of the following criteria: it is a conservative change, it occurs at a poorly conserved position in the protein, it is predicted to be benign by multiple in silico algorithms, and/or has population frequency not consistent with disease.

NM_003476.5(CSRP3):c.113-232G>A

Gene: CSRP3 (cysteine and glycine rich protein 3; minus strand). Cytogenetic location: 11p15.1.
Variant type: single nucleotide variant.
Coding change: c.113-232G>A on transcript NM_003476.5 (MANE Select); 232 bases into the intron before coding-DNA position 113, G replaced by A.
Molecular consequence: intron variant.
Genome position (GRCh38, 1-based): chr11:19,188,536, C>T on the plus strand (G>A on the coding strand, the complement: CSRP3 is on the minus strand). VCF-style: chr11-19188536-C-T. GRCh37 (hg19) VCF-style: chr11-19210083-C-T.
Other names: c.113-2188G>A (NM_001369404.1).
Identifiers: ClinVar variation 678472 (VCV000678472.1), dbSNP rs10766529, ClinGen allele CA13438443.
Genomic context (GRCh38, chr11:19,188,536, plus strand): 5'-TCCCGATCTCACAGATGACAAAATTGGGTTCAGTGGTTCCCAGCTGGAAAAGGGTGGAAG[C>T]TAGCATTAGAACGAGATATATAGTCTCAGACCTGCTAAGGACTGCATCCCTGAGTCTTCC-3'